The following is an entry in ClinVar:

ClinVar aggregate classification (germline): Uncertain significance (1 of 4 stars; one submission).

Conditions:
Cardiovascular phenotype. Identifiers: MedGen CN230736.

gnomAD v4.1: 10 of 1,608,354 alleles (0.00062%); highest among the groups gnomAD compares: South Asian, 0.0099%; no homozygotes.

Submission:

Ambry Genetics
Classification: Uncertain significance for Cardiovascular phenotype. Last evaluated: 2024-04-25. Review status: criteria provided, single submitter. Criteria: Ambry Variant Classification Scheme 2023. Collection method: clinical testing. Allele origin: germline.
Comment: The p.R1143L variant (also known as c.3428G>T), located in coding exon 24 of the MYH6 gene, results from a G to T substitution at nucleotide position 3428. The arginine at codon 1143 is replaced by leucine, an amino acid with dissimilar properties. This amino acid position is highly conserved in available vertebrate species. In addition, this alteration is predicted to be deleterious by in silico analysis. Based on the available evidence, the clinical significance of this variant remains unclear.

NM_002471.4(MYH6):c.3428G>T (p.Arg1143Leu)

Gene: MYH6 (myosin heavy chain 6; minus strand). Cytogenetic location: 14q11.2.
Variant type: single nucleotide variant.
Coding change: c.3428G>T on transcript NM_002471.4 (MANE Select); coding-DNA position 3428, G replaced by T.
Protein change: p.Arg1143Leu; replaces arginine 1143 with leucine.
Molecular consequence: missense variant.
Genome position (GRCh38, 1-based): chr14:23,390,361, C>A on the plus strand (G>T on the coding strand, the complement: MYH6 is on the minus strand). VCF-style: chr14-23390361-C-A. GRCh37 (hg19) VCF-style: chr14-23859570-C-A.
Other names: short protein forms R1143L.
Identifiers: ClinVar variation 3297474 (VCV003297474.1).